The following is an entry in ClinVar:

ClinVar aggregate classification (germline): Uncertain significance. Review status: criteria provided, multiple submitters, no conflicts (2 of 4 stars). 5 submissions from 5 submitters: Uncertain significance (5). Last evaluated 2026-07-07.

Conditions:
Cardiovascular phenotype. Identifiers: MedGen CN230736.
Arrhythmogenic right ventricular cardiomyopathy (ARVD). Also called: Arrhythmogenic cardiomyopathy; Arrhythmogenic right ventricular dysplasia; Arrhythmogenic Right Ventricular Cardiomyopathy (ARVC); Cardiomyopathy, ARVC. Identifiers: Orphanet 247, MedGen C0349788, MeSH D019571, MONDO:0016587. Disease mechanism: loss of function. Inheritance: Various modes of inheritance.
Cardiomyopathy (CMYO). Also called: Cardiomyopathies. Identifiers: Orphanet 167848, MedGen C0878544, MONDO:0004994, HP:0001638. Inheritance: Various modes of inheritance.
Arrhythmogenic right ventricular dysplasia 10. Also called: Arrhythmogenic Right Ventricular Dysplasia/Cardiomyopathy10; Arrhythmogenic right ventricular dysplasia/cardiomyopathy, type 10; ARRHYTHMOGENIC RIGHT VENTRICULAR DYSPLASIA, FAMILIAL, 10. Identifiers: MedGen C1857777, MONDO:0012434, OMIM 610193.

Allele frequency attached by ClinVar (database versions not stated): gnomAD exomes 0.00002.
gnomAD v4.1: 31 of 1,611,598 alleles (0.0019%); highest among the groups gnomAD compares: Non-Finnish European, 0.0025%; no homozygotes.

Submissions (5):

Ambry Genetics
Classification: Uncertain significance for Cardiovascular phenotype. Last evaluated: 2026-07-07. Review status: criteria provided, single submitter. Criteria: Ambry Variant Classification Scheme 2023. Collection method: clinical testing. Allele origin: germline.
Comment: The p.V467I variant (also known as c.1399G>A), located in coding exon 10 of the DSG2 gene, results from a G to A substitution at nucleotide position 1399. The valine at codon 467 is replaced by isoleucine, an amino acid with highly similar properties. This amino acid position is conserved. In addition, this alteration is predicted to be tolerated by in silico analysis. Based on the available evidence, the clinical significance of this variant remains unclear.

All of Us Research Program, National Institutes of Health
Classification: Uncertain significance for Arrhythmogenic right ventricular cardiomyopathy. Last evaluated: 2023-09-17. Review status: criteria provided, single submitter. Criteria: ACMG Guidelines, 2015. Collection method: clinical testing. Allele origin: germline. Inheritance: Autosomal dominant inheritance. Observed: 1 variant allele, 1 heterozygote.
Comment: This missense variant replaces valine with isoleucine at codon 467 of the DSG2 protein. Computational prediction suggests that this variant may not impact protein structure and function (internally defined REVEL score threshold <= 0.5, PMID: 27666373). To our knowledge, functional studies have not been reported for this variant. This variant has not been reported in individuals affected with DSG2-related disorders in the literature. This variant has not been identified in the general population by the Genome Aggregation Database (gnomAD). The available evidence is insufficient to determine the role of this variant in disease conclusively. Therefore, this variant is classified as a Variant of Uncertain Significance.

This study involves interpretation of variants in research participants for the purpose of population health screening. Participant phenotype was not available at the time of variant classification. Additional details can be found in publication PMID: 35346344, PMCID: PMC8962531

Color Diagnostics, LLC DBA Color Health
Classification: Uncertain significance for Cardiomyopathy. Last evaluated: 2023-09-06. Review status: criteria provided, single submitter. Criteria: ACMG Guidelines, 2015. Collection method: clinical testing. Allele origin: germline.
Comment: This missense variant replaces valine with isoleucine at codon 467 of the DSG2 protein. Computational prediction suggests that this variant may not impact protein structure and function. To our knowledge, functional studies have not been reported for this variant. This variant has not been reported in individuals affected with DSG2-related disorders in the literature. This variant has not been identified in the general population by the Genome Aggregation Database (gnomAD). The available evidence is insufficient to determine the role of this variant in disease conclusively. Therefore, this variant is classified as a Variant of Uncertain Significance.

Labcorp Genetics (formerly Invitae), Labcorp
Classification: Uncertain significance for Arrhythmogenic right ventricular dysplasia 10. Last evaluated: 2023-01-28. Review status: criteria provided, single submitter. Criteria: Invitae Variant Classification Sherloc (09022015). Collection method: clinical testing. Allele origin: germline.
Comment: This sequence change replaces valine, which is neutral and non-polar, with isoleucine, which is neutral and non-polar, at codon 467 of the DSG2 protein (p.Val467Ile). This variant is not present in population databases (gnomAD no frequency). This variant has not been reported in the literature in individuals affected with DSG2-related conditions. ClinVar contains an entry for this variant (Variation ID: 178910). Advanced modeling of protein sequence and biophysical properties (such as structural, functional, and spatial information, amino acid conservation, physicochemical variation, residue mobility, and thermodynamic stability) performed at Invitae indicates that this missense variant is not expected to disrupt DSG2 protein function. In summary, the available evidence is currently insufficient to determine the role of this variant in disease. Therefore, it has been classified as a Variant of Uncertain Significance.

Laboratory for Molecular Medicine, Mass General Brigham Personalized Medicine
Classification: Uncertain significance. Last evaluated: 2013-04-21. Review status: criteria provided, single submitter. Criteria: LMM Criteria. Collection method: clinical testing. Allele origin: germline. Observed: 1 variant allele.
Comment: Variant classified as Uncertain Significance - Favor Benign. The Val467Ile varia nt in DSG2 has not been reported in individuals with cardiomyopathy or in large population studies. Valine (Val) at position 467 is not conserved in mammals and evolutionarily distant species, and marmoset carries an isoleucine (Ile; this v ariant) at this position, raising the possibility that this change may be tolera ted. Additional computational analyses (biochemical amino acid properties, Align GVGD, PolyPhen2, and SIFT) suggest that this variant may not impact the protein, though this information is not predictive enough to rule out pathogenicity. Alt hough the high lack of conservation and the presence of this variant in another primate support that the Val467Ile variant may be benign, additional studies are needed to fully assess its clinical significance.

NM_001943.5(DSG2):c.1399G>A (p.Val467Ile)

Gene: DSG2 (desmoglein 2; plus strand). Cytogenetic location: 18q12.1.
Variant type: single nucleotide variant.
Coding change: c.1399G>A on transcript NM_001943.5 (MANE Select); coding-DNA position 1399, G replaced by A.
Protein change: p.Val467Ile; replaces valine 467 with isoleucine.
Molecular consequence: missense variant.
Genome position (GRCh38, 1-based): chr18:31,535,388, G>A. VCF-style: chr18-31535388-G-A. GRCh37 (hg19) VCF-style: chr18-29115351-G-A.
Other names: short protein forms V467I.
Identifiers: ClinVar variation 178910 (VCV000178910.10), dbSNP rs727504533, ClinGen allele CA021373.